The following is an entry in ClinVar:

ClinVar aggregate classification (germline): Pathogenic (1 of 4 stars; one submission).

Conditions:
Nance-Horan syndrome (NHS). Identifiers: Orphanet 627, MedGen C0796085, MONDO:0010545, OMIM 302350.

Submission:

Labcorp Genetics (formerly Invitae), Labcorp
Classification: Pathogenic for Nance-Horan syndrome. Last evaluated: 2022-05-20. Review status: criteria provided, single submitter. Criteria: Invitae Variant Classification Sherloc (09022015). Collection method: clinical testing. Allele origin: germline.
Comment: For these reasons, this variant has been classified as Pathogenic. This variant has not been reported in the literature in individuals affected with NHS-related conditions. This variant is not present in population databases (gnomAD no frequency). This sequence change creates a premature translational stop signal (p.Phe986Leufs*62) in the NHS gene. It is expected to result in an absent or disrupted protein product. Loss-of-function variants in NHS are known to be pathogenic (PMID: 14564667, 19414485).

Literature cited by the submitters: PubMed 14564667; PubMed 19414485.

NM_001291867.2(NHS):c.3021del (p.Phe1007fs)

Gene: NHS (NHS actin remodeling regulator; plus strand). Cytogenetic location: Xp22.13.
Variant type: Deletion.
Coding change: c.3021del on transcript NM_001291867.2 (MANE Select); coding-DNA position 3021, one base deleted (T; older notation c.3021delT).
Protein change: p.Phe1007fs; shifts the reading frame from phenylalanine 1007.
Molecular consequence: frameshift variant.
Genome position (GRCh38, 1-based): chrX:17,727,127, T deleted; the last of 3 consecutive T bases (chrX:17,727,125-17,727,127); deleting any one gives the same sequence. VCF-style (leftmost placement, unchanged base first): chrX-17727124-GT-G. GRCh37 (hg19) VCF-style: chrX-17745244-GT-G.
Other names: c.2490del, p.Phe830fs (NM_001136024.4); c.2427del, p.Phe809fs (NM_001291868.2); c.2958del, p.Phe986fs (NM_198270.4); short protein forms F809fs, F986fs, F1007fs, F830fs.
Identifiers: ClinVar variation 1996935 (VCV001996935.4), dbSNP rs2519938991, ClinGen allele CA2580100390.